The following is an entry in ClinVar:

NM_000369.5(TSHR):c.1834C>T (p.Gln612Ter)

Genes: TSHR (thyroid stimulating hormone receptor; plus strand), TSHR-AS1 (TSHR antisense RNA 1; minus strand). Cytogenetic location: 14q31.1.
Variant type: single nucleotide variant.
Coding change: c.1834C>T on transcript NM_000369.5 (MANE Select); coding-DNA position 1834, C replaced by T.
Protein change: p.Gln612Ter; replaces glutamine 612 with a stop codon.
Molecular consequence: nonsense.
Genome position (GRCh38, 1-based): chr14:81,143,892, C>T. VCF-style: chr14-81143892-C-T. GRCh37 (hg19) VCF-style: chr14-81610236-C-T.
Other names: short protein forms Q612*.
Identifiers: ClinVar variation 4851720 (VCV004851720.1).

ClinVar aggregate classification (germline): Pathogenic (1 of 4 stars; one submission).

Conditions:
TSHR-related disorder. Also called: TSHR-related condition; TSHR-related disorders.

gnomAD v4.1: 1 of 1,614,168 alleles (0.000062%); highest among the groups gnomAD compares: Non-Finnish European, 0.000085%; no homozygotes.

Submission:

Greenwood Genetic Center Diagnostic Laboratories, Greenwood Genetic Center
Classification: Pathogenic for TSHR-related disorder. Last evaluated: 2025-01-16. Review status: criteria provided, single submitter. Criteria: ACMG Guidelines, 2015. Collection method: clinical testing. Allele origin: germline. Affected: yes.
Comment: PVS1, PM2, PM3_Supporting